The following is an entry in ClinVar:

NM_006231.4(POLE):c.4096T>C (p.Phe1366Leu)

Gene: POLE (DNA polymerase epsilon, catalytic subunit; minus strand). Cytogenetic location: 12q24.33.
Variant type: single nucleotide variant.
Coding change: c.4096T>C on transcript NM_006231.4 (MANE Select); coding-DNA position 4096, T replaced by C.
Protein change: p.Phe1366Leu; replaces phenylalanine 1366 with leucine.
Molecular consequence: missense variant.
Genome position (GRCh38, 1-based): chr12:132,648,982, A>G on the plus strand (T>C on the coding strand, the complement: POLE is on the minus strand). VCF-style: chr12-132648982-A-G. GRCh37 (hg19) VCF-style: chr12-133225568-A-G.
Other names: short protein forms F1366L.
Identifiers: ClinVar variation 3708257 (VCV003708257.2).

ClinVar aggregate classification (germline): Uncertain significance (1 of 4 stars; one submission).

Submission:

Labcorp Genetics (formerly Invitae), Labcorp
Classification: Uncertain significance. Last evaluated: 2024-11-11. Review status: criteria provided, single submitter. Criteria: Invitae Variant Classification Sherloc (09022015). Collection method: clinical testing. Allele origin: germline.
Comment: This sequence change replaces phenylalanine, which is neutral and non-polar, with leucine, which is neutral and non-polar, at codon 1366 of the POLE protein (p.Phe1366Leu). This variant is not present in population databases (gnomAD no frequency). This variant has not been reported in the literature in individuals affected with POLE-related conditions. Invitae Evidence Modeling of protein sequence and biophysical properties (such as structural, functional, and spatial information, amino acid conservation, physicochemical variation, residue mobility, and thermodynamic stability) indicates that this missense variant is not expected to disrupt POLE protein function with a negative predictive value of 80%. In summary, the available evidence is currently insufficient to determine the role of this variant in disease. Therefore, it has been classified as a Variant of Uncertain Significance.